The following is an entry in ClinVar:

ClinVar aggregate classification (germline): Uncertain significance. Review status: criteria provided, single submitter (1 of 4 stars). 2 submissions from 2 submitters: Uncertain significance (1). 1 of the submissions does not count toward it. Last evaluated 2024-04-09.

Conditions:
SMAD6-related disease. Also called: SMAD6-related disorder; SMAD6-related condition. Identifiers: MedGen CN381596, MONDO:0700324.
Aortic valve disease 2 (AOVD2). Identifiers: MedGen C3542024, MONDO:0013902, OMIM 614823.

gnomAD v4.1: 1 of 1,484,994 alleles (0.000067%); highest among the groups gnomAD compares: South Asian, 0.0013%; no homozygotes.

Submissions (2):

Labcorp Genetics (formerly Invitae), Labcorp
Classification: Uncertain significance for Aortic valve disease 2. Last evaluated: 2024-04-09. Review status: criteria provided, single submitter. Criteria: Invitae Variant Classification Sherloc (09022015). Collection method: clinical testing. Allele origin: germline.
Comment: This sequence change creates a premature translational stop signal (p.Cys245*) in the SMAD6 gene. It is expected to result in an absent or disrupted protein product. However, the current clinical and genetic evidence is not sufficient to establish whether loss-of-function variants in SMAD6 cause disease. This variant is not present in population databases (gnomAD no frequency). This variant has not been reported in the literature in individuals affected with SMAD6-related conditions. In summary, the available evidence is currently insufficient to determine the role of this variant in disease. Therefore, it has been classified as a Variant of Uncertain Significance.

PreventionGenetics, part of Exact Sciences
Classification: Uncertain significance for SMAD6-related condition. Last evaluated: 2024-04-30. Review status: no assertion criteria provided. Collection method: clinical testing. Allele origin: germline. Not counted in ClinVar's aggregate classification.
Comment: The SMAD6 c.735C>A variant is predicted to result in premature protein termination (p.Cys245*). To our knowledge, this variant has not been reported in the literature or in a large population database, indicating this variant is rare. At this time, the clinical significance of this variant is uncertain due to the absence of conclusive functional and genetic evidence.

NM_005585.5(SMAD6):c.735C>A (p.Cys245Ter)

Gene: SMAD6 (SMAD family member 6; plus strand). Cytogenetic location: 15q22.31.
Variant type: single nucleotide variant.
Coding change: c.735C>A on transcript NM_005585.5 (MANE Select); coding-DNA position 735, C replaced by A.
Protein change: p.Cys245Ter; replaces cysteine 245 with a stop codon.
Molecular consequence: nonsense. On other transcripts: non-coding transcript variant (1).
Genome position (GRCh38, 1-based): chr15:66,703,993, C>A. VCF-style: chr15-66703993-C-A. GRCh37 (hg19) VCF-style: chr15-66996331-C-A.
Other names: short protein forms C245*.
Identifiers: ClinVar variation 3346791 (VCV003346791.3).
Genomic context (GRCh38, chr15:66,703,993, plus strand): 5'-GCTCGGCCGCCTCTTTCGCTGGCCCGACCTGCAGCACGCCGTGGAGCTGAAGCCCCTGTG[C>A]GGCTGCCACAGCTTCGCCGCCGCCGCCGACGGCCCTACCGTGTGCTGCAACCCCTACCAC-3'